The following is an entry in ClinVar:

ClinVar aggregate classification (germline): Uncertain significance (1 of 4 stars; one submission).

Allele frequency attached by ClinVar (database versions not stated): TOPMed 0.00002; ExAC 0.00004.

Submission:

Labcorp Genetics (formerly Invitae), Labcorp
Classification: Uncertain significance. Last evaluated: 2025-02-10. Review status: criteria provided, single submitter. Criteria: Invitae Variant Classification Sherloc (09022015). Collection method: clinical testing. Allele origin: germline.
Comment: This sequence change falls in intron 4 of the GZF1 gene. It does not directly change the encoded amino acid sequence of the GZF1 protein. It affects a nucleotide within the consensus splice site. This variant is present in population databases (rs749701798, gnomAD 0.02%). This variant has not been reported in the literature in individuals affected with GZF1-related conditions. ClinVar contains an entry for this variant (Variation ID: 2189529). Variants that disrupt the consensus splice site are a relatively common cause of aberrant splicing (PMID: 17576681, 9536098). Algorithms developed to predict the effect of sequence changes on RNA splicing suggest that this variant is not likely to affect RNA splicing. In summary, the available evidence is currently insufficient to determine the role of this variant in disease. Therefore, it has been classified as a Variant of Uncertain Significance.

Literature cited by the submitters: PubMed 17576681; PubMed 9536098.

NM_022482.5(GZF1):c.1627+4T>C

Gene: GZF1 (GDNF inducible zinc finger protein 1; plus strand). Cytogenetic location: 20p11.21.
Variant type: single nucleotide variant.
Coding change: c.1627+4T>C on transcript NM_022482.5 (MANE Select); 4 bases into the intron after coding-DNA position 1627, T replaced by C.
Molecular consequence: intron variant.
Genome position (GRCh38, 1-based): chr20:23,368,933, T>C. VCF-style: chr20-23368933-T-C. GRCh37 (hg19) VCF-style: chr20-23349570-T-C.
Other names: c.1627+4T>C (NM_001317012.2, NM_001317019.1).
Identifiers: ClinVar variation 2189529 (VCV002189529.3), dbSNP rs749701798, ClinGen allele CA9788752.